The following is an entry in ClinVar:

NM_004006.3(DMD):c.3603+5_3603+6insG

Gene: DMD (dystrophin; minus strand). Cytogenetic location: Xp21.1.
Variant type: Insertion.
Coding change: c.3603+5_3603+6insG on transcript NM_004006.3 (MANE Select); bases 5 to 6 of the intron after coding-DNA position 3603, G inserted.
Molecular consequence: intron variant.
Genome position: GRCh38 VCF-style: chrX-32454656-T-TC. GRCh37 (hg19) VCF-style: chrX-32472773-T-TC.
Other names: c.3579+5_3579+6insG (NM_000109.4); c.3591+5_3591+6insG (NM_004009.3); c.3234+5_3234+6insG (NM_004010.3).
Identifiers: ClinVar variation 934016 (VCV000934016.1), dbSNP rs2098348471, ClinGen allele CA1139667369.
Genomic context (GRCh38, chrX:32,454,656, plus strand): 5'-GTTGCATTTCTTTCTTTTTCCATTTATTTCCTTTGTTTTACTTAGTTTTTCTTTTTTTTT[T>TC]TTTACCTTCATCTCTTCAACTGCTTTCTGTAATTCATCTGGAGTTTTATATTCAAAATCT-3'

ClinVar aggregate classification (germline): Uncertain significance (1 of 4 stars; one submission).

Conditions:
Duchenne muscular dystrophy (DMD). Also called: Duchenne Muscular Dystrophy (DMD); MUSCULAR DYSTROPHY, PSEUDOHYPERTROPHIC PROGRESSIVE, DUCHENNE TYPE. Identifiers: Orphanet 98896, MedGen C0013264, MONDO:0010679, OMIM 310200.

Submission:

Labcorp Genetics (formerly Invitae), Labcorp
Classification: Uncertain significance for Duchenne muscular dystrophy. Last evaluated: 2019-05-22. Review status: criteria provided, single submitter. Criteria: Invitae Variant Classification Sherloc (09022015). Collection method: clinical testing. Allele origin: germline.
Comment: This sequence change falls in intron 26 of the DMD gene. It does not directly change the encoded amino acid sequence of the DMD protein, but it affects a nucleotide within the consensus splice site of the intron. This variant is not present in population databases (ExAC no frequency). This variant has not been reported in the literature in individuals with DMD-related conditions. Nucleotide substitutions within the consensus splice site are a relatively common cause of aberrant splicing (PMID: 17576681, 9536098). Algorithms developed to predict the effect of sequence changes on RNA splicing suggest that this variant is not likely to affect RNA splicing, but this prediction has not been confirmed by published transcriptional studies. In summary, the available evidence is currently insufficient to determine the role of this variant in disease. Therefore, it has been classified as a Variant of Uncertain Significance.